The following is an entry in ClinVar:

ClinVar aggregate classification (germline): Likely pathogenic. Review status: criteria provided, multiple submitters, no conflicts (2 of 4 stars). 2 submissions from 2 submitters: Likely pathogenic (2). Last evaluated 2025-01-09.

Conditions:
SOX9-related disorder. Also called: SOX9-related condition.

Submissions (2):

PreventionGenetics, part of Exact Sciences
Classification: Likely pathogenic for SOX9-related condition. Last evaluated: 2025-01-09. Review status: criteria provided, single submitter. Criteria: ACMG Guidelines, 2015. Collection method: clinical testing. Allele origin: germline.
Comment: The SOX9 c.319C>T variant is predicted to result in the amino acid substitution p.Arg107Trp. This variant has not been reported in a large population database, indicating this variant is rare. This variant is interpreted as likely pathogenic.

CeGaT Center for Human Genetics Tuebingen
Classification: Likely pathogenic. Last evaluated: 2021-06-01. Review status: criteria provided, single submitter. Criteria: CeGaT Center For Human Genetics Tuebingen Variant Classification Criteria Version 2. Collection method: clinical testing. Allele origin: germline. Affected: yes. Observed: 1 variant allele.

NM_000346.4(SOX9):c.319C>T (p.Arg107Trp)

Genes: SOX9 (SRY-box transcription factor 9; plus strand), LOC108021846 (SOX9 promoter region; plus strand). Cytogenetic location: 17q24.3.
Variant type: single nucleotide variant.
Coding change: c.319C>T on transcript NM_000346.4 (MANE Select); coding-DNA position 319, C replaced by T.
Protein change: p.Arg107Trp; replaces arginine 107 with tryptophan.
Molecular consequence: missense variant.
Genome position (GRCh38, 1-based): chr17:72,121,710, C>T. VCF-style: chr17-72121710-C-T. GRCh37 (hg19) VCF-style: chr17-70117851-C-T.
Other names: c.319C>T (NM_000346.3); short protein forms R107W.
Identifiers: ClinVar variation 1176690 (VCV001176690.36), dbSNP rs2143239847, ClinGen allele CA400866003.
Genomic context (GRCh38, chr17:72,121,710, plus strand): 5'-ACGCTGGTGCCCATGCCGGTGCGCGTCAACGGCTCCAGCAAGAACAAGCCGCACGTCAAG[C>T]GGCCCATGAACGCCTTCATGGTGTGGGCGCAGGCGGCGCGCAGGAAGCTCGCGGACCAGT-3'
Protein context (NP_000337.1, residues 97-117): GSSKNKPHVK[Arg107Trp]PMNAFMVWAQ